The following is an entry in ClinVar:

ClinVar aggregate classification (germline): Likely benign (0 of 4 stars; one submission).

Conditions:
DUSP22-related disorder. Also called: DUSP22-related condition.

Allele frequency attached by ClinVar (database versions not stated): gnomAD exomes 0.00026; ExAC 0.00090; ESP Exome Variant Server 0.00169; gnomAD 0.00251; 1000 Genomes Project 30x 0.00406; 1000 Genomes Project 0.00419.
gnomAD v4.1: 784 of 1,613,942 alleles (0.049%); highest among the groups gnomAD compares: African/African-American, 0.83%; no homozygotes.

Submission:

PreventionGenetics, part of Exact Sciences
Classification: Likely benign for DUSP22-related condition. Last evaluated: 2021-09-28. Review status: no assertion criteria provided. Collection method: clinical testing. Allele origin: germline.
Comment: This variant is classified as likely benign based on ACMG/AMP sequence variant interpretation guidelines (Richards et al. 2015 PMID: 25741868, with internal and published modifications).

NM_001286555.3(DUSP22):c.477G>T (p.Leu159Phe)

Gene: DUSP22 (dual specificity phosphatase 22; plus strand). Cytogenetic location: 6p25.3.
Variant type: single nucleotide variant.
Coding change: c.477G>T on transcript NM_001286555.3 (MANE Select); coding-DNA position 477, G replaced by T.
Protein change: p.Leu159Phe; replaces leucine 159 with phenylalanine.
Molecular consequence: missense variant. On other transcripts: non-coding transcript variant (3).
Genome position (GRCh38, 1-based): chr6:348,810, G>T. VCF-style: chr6-348810-G-T. GRCh37 (hg19) VCF-style: chr6-348810-G-T.
Other names: c.477G>T, p.Leu159Phe (NM_020185.6); short protein forms L159F.
Identifiers: ClinVar variation 3039128 (VCV003039128.2), dbSNP rs148581187, ClinGen allele CA3612453.